The following is an entry in ClinVar:

ClinVar aggregate classification (germline): Uncertain significance (1 of 4 stars; one submission).

Conditions:
Multiple gastrointestinal atresias. Also called: FAMILIAL INTESTINAL POLYATRESIA SYNDROME; Multiple intestinal atresia. Identifiers: Orphanet 2300, MedGen C0220744, MONDO:0009465.

Allele frequency attached by ClinVar (database versions not stated): gnomAD exomes below 0.00001; TOPMed below 0.00001; gnomAD 0.00001.
gnomAD v4.1: 9 of 1,614,060 alleles (0.00056%); highest among the groups gnomAD compares: Non-Finnish European, 0.00068%; no homozygotes.

Submission:

Labcorp Genetics (formerly Invitae), Labcorp
Classification: Uncertain significance for Multiple gastrointestinal atresias. Last evaluated: 2022-10-17. Review status: criteria provided, single submitter. Criteria: Invitae Variant Classification Sherloc (09022015). Collection method: clinical testing. Allele origin: germline.
Comment: This sequence change replaces leucine, which is neutral and non-polar, with methionine, which is neutral and non-polar, at codon 159 of the TTC7A protein (p.Leu159Met). This variant is present in population databases (no rsID available, gnomAD 0.002%). This variant has not been reported in the literature in individuals affected with TTC7A-related conditions. Advanced modeling of protein sequence and biophysical properties (such as structural, functional, and spatial information, amino acid conservation, physicochemical variation, residue mobility, and thermodynamic stability) performed at Invitae indicates that this missense variant is expected to disrupt TTC7A protein function. In summary, the available evidence is currently insufficient to determine the role of this variant in disease. Therefore, it has been classified as a Variant of Uncertain Significance.

NM_020458.4(TTC7A):c.475C>A (p.Leu159Met)

Gene: TTC7A (tetratricopeptide repeat domain 7A; plus strand). Cytogenetic location: 2p21.
Variant type: single nucleotide variant.
Coding change: c.475C>A on transcript NM_020458.4 (MANE Select); coding-DNA position 475, C replaced by A.
Protein change: p.Leu159Met; replaces leucine 159 with methionine.
Molecular consequence: missense variant. On other transcripts: 5 prime UTR variant (1).
Genome position (GRCh38, 1-based): chr2:46,956,965, C>A. VCF-style: chr2-46956965-C-A. GRCh37 (hg19) VCF-style: chr2-47184104-C-A.
Other names: c.475C>A, p.Leu159Met (NM_001288951.2); c.373C>A, p.Leu125Met (NM_001288953.2); c.-430C>A (NM_001288955.2); short protein forms L125M, L159M.
Identifiers: ClinVar variation 2142769 (VCV002142769.1), dbSNP rs1443157447, ClinGen allele CA346718823.